The following is an entry in ClinVar:

NM_002428.4(MMP15):c.1058del (p.Pro353fs)

Gene: MMP15 (matrix metallopeptidase 15; plus strand). Cytogenetic location: 16q21.
Variant type: Deletion.
Coding change: c.1058del on transcript NM_002428.4 (MANE Select); coding-DNA position 1058, one base deleted (C; older notation c.1058delC).
Protein change: p.Pro353fs; shifts the reading frame from proline 353.
Molecular consequence: frameshift variant.
Genome position (GRCh38, 1-based): chr16:58,041,764, C deleted; the last of 6 consecutive C bases (chr16:58,041,759-58,041,764); deleting any one gives the same sequence. VCF-style (leftmost placement, unchanged base first): chr16-58041758-GC-G. GRCh37 (hg19) VCF-style: chr16-58075662-GC-G.
Other names: short protein forms P353fs.
Identifiers: ClinVar variation 3384009 (VCV003384009.1).

ClinVar aggregate classification (germline): Pathogenic (1 of 4 stars; one submission).

Conditions:
Developmental disorder. Identifiers: MedGen C0008073.

Submission:

Dubai Health Genomic Medicine Center, Dubai Health
Classification: Pathogenic for Developmental disorder. Last evaluated: 2024-10-04. Review status: criteria provided, single submitter. Criteria: ACMG Guidelines, 2015. Collection method: research. Allele origin: germline. Affected: yes.
Comment: PVS1,PM2,PP1